The following is an entry in ClinVar:

NM_001244008.2(KIF1A):c.1503A>G (p.Pro501=)

Gene: KIF1A (kinesin family member 1A; minus strand). Cytogenetic location: 2q37.3.
Variant type: single nucleotide variant.
Coding change: c.1503A>G on transcript NM_001244008.2 (MANE Select); coding-DNA position 1503, A replaced by G.
Protein change: p.Pro501=; no amino-acid change (proline 501 retained).
Molecular consequence: synonymous variant.
Genome position (GRCh38, 1-based): chr2:240,767,340, T>C on the plus strand (A>G on the coding strand, the complement: KIF1A is on the minus strand). VCF-style: chr2-240767340-T-C. GRCh37 (hg19) VCF-style: chr2-241706757-T-C.
Other names: p.P492P:CCA>CCG; p.Pro492=; c.1503A>G, p.Pro501= (NM_001320705.2, NM_001330289.2, NM_001379638.1); c.1578A>G, p.Pro526= (NM_001330290.2, NM_001379631.1, NM_001379634.1 and 2 more transcripts); c.1476A>G, p.Pro492= (NM_001379632.1, NM_001379633.1, NM_001379636.1 and 10 more transcripts); c.1551A>G, p.Pro517= (NM_001379637.1, NM_001379648.1); c.1476A>G (NM_004321.7).
Identifiers: ClinVar variation 129384 (VCV000129384.40), dbSNP rs35663732, ClinGen allele CA153348.

ClinVar aggregate classification (germline): Benign/Likely benign. Review status: criteria provided, multiple submitters, no conflicts (2 of 4 stars). 11 submissions from 11 submitters: Benign (8); Likely benign (2). 1 of the submissions does not count toward it. Last evaluated 2026-02-03.

Conditions:
Neuropathy, hereditary sensory, type 2C. Also called: Hereditary sensory and autonomic neuropathy type IIC; KIF1A-Related HSAN2 (HSAN2C). Identifiers: Orphanet 970, MedGen C3280168, MONDO:0013634, OMIM 614213.
Intellectual disability, autosomal dominant 9 (NESCAVS). Also called: NESCAV SYNDROME; KIF1A-Related Neurodevelopmental Disorder. Identifiers: Orphanet 662367, MedGen C5393830, MONDO:0013656, OMIM 614255.
Hereditary spastic paraplegia 30. Identifiers: Orphanet 101010, MedGen C5235139, MONDO:0012476.
Inborn genetic diseases. Identifiers: MedGen C0950123, MeSH D030342.
Hereditary spastic paraplegia. Also called: Familial spastic paraparesis. Identifiers: Orphanet 685, MedGen C0037773, MONDO:0019064. Disease mechanism: loss of function.

Allele frequency attached by ClinVar (database versions not stated): 1000 Genomes Project 0.01597; TOPMed 0.01642; 1000 Genomes Project 30x 0.01655; ESP Exome Variant Server 0.01676; gnomAD 0.01790 and 0.01799; gnomAD exomes 0.01873 and 0.01952; ExAC 0.02115.
gnomAD v4.1: 30,203 of 1,612,896 alleles (1.9%); highest among the groups gnomAD compares: South Asian, 3%; 347 homozygotes.

Submissions (11):

Labcorp Genetics (formerly Invitae), Labcorp
Classification: Benign for Hereditary spastic paraplegia 30; Neuropathy, hereditary sensory, type 2C; Intellectual disability, autosomal dominant 9. Last evaluated: 2026-02-03. Review status: criteria provided, single submitter. Criteria: Invitae Variant Classification Sherloc (09022015). Collection method: clinical testing. Allele origin: germline.

ARUP Laboratories, Molecular Genetics and Genomics, ARUP Laboratories
Classification: Benign. Last evaluated: 2025-06-05. Review status: criteria provided, single submitter. Criteria: ARUP Molecular Germline Variant Investigation Process 2024. Collection method: clinical testing. Allele origin: germline.

Blueprint Genetics
Classification: Benign. Last evaluated: 2024-11-26. Review status: criteria provided, single submitter. Criteria: ACMG Guidelines, 2015. Collection method: clinical testing. Allele origin: germline.

Athena Diagnostics
Classification: Benign. Last evaluated: 2024-02-20. Review status: criteria provided, single submitter. Criteria: Athena Diagnostics Criteria. Collection method: clinical testing. Allele origin: unknown.

Genome Diagnostics Laboratory, The Hospital for Sick Children
Classification: Benign for Hereditary spastic paraplegia. Last evaluated: 2021-11-29. Review status: criteria provided, single submitter. Criteria: ACMG Guidelines, 2015. Collection method: clinical testing. Allele origin: germline. Affected: yes.

Illumina Laboratory Services, Illumina
Classification: Likely benign for Spastic paraplegia 30A, autosomal dominant. Last evaluated: 2018-01-12. Review status: criteria provided, single submitter. Criteria: ICSL Variant Classification Criteria 13 December 2019. Collection method: clinical testing. Allele origin: germline.
Comment: This variant was observed in the ICSL laboratory as part of a predisposition screen in an ostensibly healthy population. It had not been previously curated by ICSL or reported in the Human Gene Mutation Database (HGMD: prior to June 1st, 2018), and was therefore a candidate for classification through an automated scoring system. Utilizing variant allele frequency, disease prevalence and penetrance estimates, and inheritance mode, an automated score was calculated to assess if this variant is too frequent to cause the disease. Based on the score and internal cut-off values, a variant classified as likely benign is not then subjected to further curation. The score for this variant resulted in a classification of likely benign for this disease.

Mayo Clinic Laboratories, Mayo Clinic
Classification: Benign. Last evaluated: 2016-08-18. Review status: criteria provided, single submitter. Criteria: ACMG Guidelines, 2015. Collection method: clinical testing. Allele origin: germline. Observed: 83 variant alleles.

Ambry Genetics
Classification: Benign for Inborn genetic diseases. Last evaluated: 2016-06-09. Review status: criteria provided, single submitter. Criteria: Ambry Variant Classification Scheme 2023. Collection method: clinical testing. Allele origin: germline.

GeneDx
Classification: Benign. Last evaluated: 2014-03-07. Review status: criteria provided, single submitter. Criteria: GeneDx Variant Classification (06012015). Collection method: clinical testing. Allele origin: germline. Affected: yes.
Comment: This variant is considered likely benign or benign based on one or more of the following criteria: it is a conservative change, it occurs at a poorly conserved position in the protein, it is predicted to be benign by multiple in silico algorithms, and/or has population frequency not consistent with disease.

Breakthrough Genomics
Classification: Likely benign. Review status: criteria provided, single submitter. Criteria: ACMG Guidelines, 2015. Collection method: not provided. Allele origin: germline. Inheritance: Autosomal recessive inheritance. Affected: yes.

Genetic Services Laboratory, University of Chicago
Classification: Likely benign for AllHighlyPenetrant. Review status: no assertion criteria provided. Collection method: clinical testing. Allele origin: germline. Not counted in ClinVar's aggregate classification.
Comment: Likely benign based on allele frequency in 1000 Genomes Project or ESP global frequency and its presence in a patient with a rare or unrelated disease phenotype. NOT Sanger confirmed.

Literature cited by the submitters: PubMed 21376300 (cited by Athena Diagnostics).